The following is an entry in ClinVar:

ClinVar aggregate classification (germline): Likely benign. Review status: criteria provided, multiple submitters, no conflicts (2 of 4 stars). 4 submissions from 4 submitters: Likely benign (4). Last evaluated 2026-05-13.

Conditions:
MYO15A-related disorder. Also called: MYO15A-related condition.

Allele frequency attached by ClinVar (database versions not stated): TOPMed 0.00004; ESP Exome Variant Server 0.00008; 1000 Genomes Project 30x 0.00031; 1000 Genomes Project 0.00040.
gnomAD v4.1: 111 of 1,614,008 alleles (0.0069%); highest among the groups gnomAD compares: South Asian, 0.075%; no homozygotes.

Submissions (4):

PreventionGenetics, part of Exact Sciences
Classification: Likely benign for MYO15A-related condition. Last evaluated: 2026-05-13. Review status: criteria provided, single submitter. Criteria: ACMG Guidelines, 2015. Collection method: clinical testing. Allele origin: germline.
Comment: This variant is classified as likely benign based on ACMG/AMP sequence variant interpretation guidelines (Richards et al. 2015 PMID: 25741868, with internal and published modifications).

Blueprint Genetics
Classification: Likely benign. Last evaluated: 2024-08-21. Review status: criteria provided, single submitter. Criteria: ACMG Guidelines, 2015. Collection method: clinical testing. Allele origin: germline.

Labcorp Genetics (formerly Invitae), Labcorp
Classification: Likely benign. Last evaluated: 2024-05-22. Review status: criteria provided, single submitter. Criteria: Invitae Variant Classification Sherloc (09022015). Collection method: clinical testing. Allele origin: germline.

CeGaT Center for Human Genetics Tuebingen
Classification: Likely benign. Last evaluated: 2020-03-01. Review status: criteria provided, single submitter. Criteria: CeGaT Center For Human Genetics Tuebingen Variant Classification Criteria Version 2. Collection method: clinical testing. Allele origin: germline. Affected: yes. Observed: 1 variant allele.

NM_016239.4(MYO15A):c.5197C>A (p.Arg1733=)

Gene: MYO15A (myosin XVA; plus strand). Cytogenetic location: 17p11.2.
Variant type: single nucleotide variant.
Coding change: c.5197C>A on transcript NM_016239.4 (MANE Select); coding-DNA position 5197, C replaced by A.
Protein change: p.Arg1733=; no amino-acid change (arginine 1733 retained).
Molecular consequence: synonymous variant.
Genome position (GRCh38, 1-based): chr17:18,139,597, C>A. VCF-style: chr17-18139597-C-A. GRCh37 (hg19) VCF-style: chr17-18042911-C-A.
Other names: c.5197C>A (NM_016239.3).
Identifiers: ClinVar variation 916324 (VCV000916324.46), dbSNP rs369755064, ClinGen allele CA8424175.